The following is an entry in ClinVar:

ClinVar aggregate classification (germline): Benign/Likely benign. Review status: criteria provided, multiple submitters, no conflicts (2 of 4 stars). 4 submissions from 4 submitters: Benign (1); Likely benign (3). Last evaluated 2026-09-17.

Conditions:
DOCK6-related disorder. Also called: DOCK6-related condition.

Allele frequency attached by ClinVar (database versions not stated): gnomAD exomes 0.00016 and 0.00023; ExAC 0.00025; 1000 Genomes Project 0.00060; ESP Exome Variant Server 0.00081; 1000 Genomes Project 30x 0.00094; gnomAD 0.00098 and 0.00107; TOPMed 0.00114.
gnomAD v4.1: 383 of 1,610,230 alleles (0.024%); highest among the groups gnomAD compares: African/African-American, 0.38%; no homozygotes.

Submissions (4):

PreventionGenetics, part of Exact Sciences
Classification: Likely benign for DOCK6-related condition. Last evaluated: 2026-09-17. Review status: criteria provided, single submitter. Criteria: ACMG Guidelines, 2015. Collection method: clinical testing. Allele origin: germline.
Comment: This variant is classified as likely benign based on ACMG/AMP sequence variant interpretation guidelines (Richards et al. 2015 PMID: 25741868, with internal and published modifications).

Labcorp Genetics (formerly Invitae), Labcorp
Classification: Benign. Last evaluated: 2025-12-25. Review status: criteria provided, single submitter. Criteria: Invitae Variant Classification Sherloc (09022015). Collection method: clinical testing. Allele origin: germline.

Blueprint Genetics
Classification: Likely benign. Last evaluated: 2024-10-22. Review status: criteria provided, single submitter. Criteria: ACMG Guidelines, 2015. Collection method: clinical testing. Allele origin: germline.

GeneDx
Classification: Likely benign. Last evaluated: 2020-12-23. Review status: criteria provided, single submitter. Criteria: GeneDx Variant Classification Process June 2021. Collection method: clinical testing. Allele origin: germline. Affected: yes.

NM_020812.4(DOCK6):c.4869G>A (p.Ala1623=)

Genes: DOCK6 (dedicator of cytokinesis 6; minus strand), DOCK6-AS1 (DOCK6 antisense RNA 1; plus strand). Cytogenetic location: 19p13.2.
Variant type: single nucleotide variant.
Coding change: c.4869G>A on transcript NM_020812.4 (MANE Select); coding-DNA position 4869, G replaced by A.
Protein change: p.Ala1623=; no amino-acid change (alanine 1623 retained).
Molecular consequence: synonymous variant.
Genome position (GRCh38, 1-based): chr19:11,208,986, C>T on the plus strand (G>A on the coding strand, the complement: DOCK6 is on the minus strand). VCF-style: chr19-11208986-C-T. GRCh37 (hg19) VCF-style: chr19-11319662-C-T.
Other names: c.4974G>A, p.Ala1658= (NM_001367830.1).
Identifiers: ClinVar variation 791351 (VCV000791351.13), dbSNP rs187249194, ClinGen allele CA9206707.